The following is an entry in ClinVar:

NM_016204.4(GDF2):c.1042C>A (p.Pro348Thr)

Gene: GDF2 (growth differentiation factor 2; plus strand). Cytogenetic location: 10q11.22.
Variant type: single nucleotide variant.
Coding change: c.1042C>A on transcript NM_016204.4 (MANE Select); coding-DNA position 1042, C replaced by A.
Protein change: p.Pro348Thr; replaces proline 348 with threonine.
Molecular consequence: missense variant.
Genome position (GRCh38, 1-based): chr10:47,325,536, C>A. VCF-style: chr10-47325536-C-A. GRCh37 (hg19) VCF-style: chr10-48413826-G-T.
Other names: short protein forms P348T.
Identifiers: ClinVar variation 1803913 (VCV001803913.4), dbSNP rs2549020041, ClinGen allele CA376657618.
Genomic context (GRCh38, chr10:47,325,536, plus strand): 5'-CAAAAGACCTCCCTGCGGGTAAACTTCGAGGACATCGGCTGGGACAGCTGGATCATTGCA[C>A]CCAAGGAGTATGAAGCCTACGAGTGTAAGGGCGGCTGCTTCTTCCCCTTGGCTGACGATG-3'
Protein context (NP_057288.1, residues 338-358): DIGWDSWIIA[Pro348Thr]KEYEAYECKG

ClinVar aggregate classification (germline): Uncertain significance. Review status: criteria provided, multiple submitters, no conflicts (2 of 4 stars). 2 submissions from 2 submitters: Uncertain significance (2). Last evaluated 2024-09-27.

Conditions:
Telangiectasia, hereditary hemorrhagic, type 5 (HHT5). Identifiers: Orphanet 774, MedGen C3809710, MONDO:0014217, OMIM 615506.

Submissions (2):

Labcorp Genetics (formerly Invitae), Labcorp
Classification: Uncertain significance for Telangiectasia, hereditary hemorrhagic, type 5. Last evaluated: 2024-09-27. Review status: criteria provided, single submitter. Criteria: Invitae Variant Classification Sherloc (09022015). Collection method: clinical testing. Allele origin: germline.
Comment: This sequence change replaces proline, which is neutral and non-polar, with threonine, which is neutral and polar, at codon 348 of the GDF2 protein (p.Pro348Thr). This variant is not present in population databases (gnomAD no frequency). This missense change has been observed in individual(s) with pulmonary arterial hypertension (PMID: 31727138). ClinVar contains an entry for this variant (Variation ID: 1803913). An algorithm developed to predict the effect of missense changes on protein structure and function (PolyPhen-2) suggests that this variant is likely to be disruptive. In summary, the available evidence is currently insufficient to determine the role of this variant in disease. Therefore, it has been classified as a Variant of Uncertain Significance.

New York Genome Center
Classification: Uncertain significance. Last evaluated: 2021-08-23. Review status: criteria provided, single submitter. Criteria: NYGC Assertion Criteria 2020. Collection method: clinical testing. Allele origin: germline. Observed: 1 heterozygote.
Comment: The c.1042C>A,p.Pro348Thr missense variant in GDF2 has been reported in an individual with Familial pulmonary arterial hypertension (FPAH)(PMID:31727138). This variant is absent from in the gnomAD v3.1.1 database suggesting it is not a common benign variant in the populations represented in this database and in silico tools predict a conflicting interpretation of pathogenicity. Based on the available evidence, the variant c.1042C>A,p.Pro348Thr in the GDF2 gene is classified as a Variant of Uncertain Significance.

Literature cited by the submitters: PubMed 31727138 (cited by Labcorp Genetics (formerly Invitae), Labcorp).